The following is an entry in ClinVar:

ClinVar aggregate classification (germline): Uncertain significance. Review status: criteria provided, multiple submitters, no conflicts (2 of 4 stars). 2 submissions from 2 submitters: Uncertain significance (2). Last evaluated 2025-09-26.

Allele frequency attached by ClinVar (database versions not stated): gnomAD exomes below 0.00001; TOPMed below 0.00001; ExAC 0.00001; gnomAD 0.00002.
gnomAD v4.1: 7 of 1,613,732 alleles (0.00043%); highest among the groups gnomAD compares: South Asian, 0.0011%; no homozygotes.

Submissions (2):

Ambry Genetics
Classification: Uncertain significance. Last evaluated: 2025-09-26. Review status: criteria provided, single submitter. Criteria: Ambry Variant Classification Scheme 2023. Collection method: clinical testing. Allele origin: germline.

Labcorp Genetics (formerly Invitae), Labcorp
Classification: Uncertain significance. Last evaluated: 2022-10-17. Review status: criteria provided, single submitter. Criteria: Invitae Variant Classification Sherloc (09022015). Collection method: clinical testing. Allele origin: germline.
Comment: This sequence change replaces arginine, which is basic and polar, with glutamine, which is neutral and polar, at codon 62 of the ZIC4 protein (p.Arg62Gln). This variant is present in population databases (rs770897181, gnomAD 0.0009%). This variant has not been reported in the literature in individuals affected with ZIC4-related conditions. Algorithms developed to predict the effect of missense changes on protein structure and function are either unavailable or do not agree on the potential impact of this missense change (SIFT: "Deleterious"; PolyPhen-2: "Benign"; Align-GVGD: "Class C35"). In summary, the available evidence is currently insufficient to determine the role of this variant in disease. Therefore, it has been classified as a Variant of Uncertain Significance.

NM_032153.6(ZIC4):c.35G>A (p.Arg12Gln)

Gene: ZIC4 (Zic family zinc finger 4; minus strand). Cytogenetic location: 3q24.
Variant type: single nucleotide variant.
Coding change: c.35G>A on transcript NM_032153.6 (MANE Select); coding-DNA position 35, G replaced by A.
Protein change: p.Arg12Gln; replaces arginine 12 with glutamine.
Molecular consequence: missense variant.
Genome position (GRCh38, 1-based): chr3:147,402,763, C>T on the plus strand (G>A on the coding strand, the complement: ZIC4 is on the minus strand). VCF-style: chr3-147402763-C-T. GRCh37 (hg19) VCF-style: chr3-147120550-C-T.
Other names: c.185G>A, p.Arg62Gln (NM_001168378.1); c.149G>A, p.Arg50Gln (NM_001168379.2); c.35G>A, p.Arg12Gln (NM_001243256.2); short protein forms R62Q, R12Q, R50Q.
Identifiers: ClinVar variation 1971310 (VCV001971310.6), dbSNP rs770897181, ClinGen allele CA2656925.
Genomic context (GRCh38, chr3:147,402,763, plus strand): 5'-TATTCAAAGGAGGATTTTAACTTACTTGACTCTTTAAGAGTGTTTCGGTAAAGCCGTAAT[C>T]GTTTCCTCATCACCAAGGATGTCTTGTATCTCATTTTCTGACTTTGAGCCTGTTTGGGAA-3'
Protein context (NP_115529.2, residues 2-22): RYKTSLVMRK[Arg12Gln]LRLYRNTLKE